The following is an entry in ClinVar:

NM_000463.3(UGT1A1):c.1307A>G (p.Tyr436Cys)

Genes: UGT1A (UDP glucuronosyltransferase family 1 member A complex locus; plus strand), UGT1A1 (UDP glucuronosyltransferase family 1 member A1; plus strand), UGT1A10 (UDP glucuronosyltransferase family 1 member A10; plus strand), UGT1A3 (UDP glucuronosyltransferase family 1 member A3; plus strand), UGT1A4 (UDP glucuronosyltransferase family 1 member A4; plus strand) and 5 more. Cytogenetic location: 2q37.1.
Variant type: single nucleotide variant.
Coding change: c.1307A>G on transcript NM_000463.3 (MANE Select); coding-DNA position 1307, A replaced by G.
Protein change: p.Tyr436Cys; replaces tyrosine 436 with cysteine.
Molecular consequence: missense variant.
Genome position (GRCh38, 1-based): chr2:233,772,264, A>G. VCF-style: chr2-233772264-A-G. GRCh37 (hg19) VCF-style: chr2-234680910-A-G.
Other names: c.1298A>G, p.Tyr433Cys (NM_019075.4, NM_019076.5, NM_019077.3 and 1 more transcripts); c.1304A>G, p.Tyr435Cys (NM_001072.4); c.503A>G, p.Tyr168Cys (NM_205862.3); c.1310A>G, p.Tyr437Cys (NM_019078.2, NM_007120.3, NM_019093.4); short protein forms Y433C, Y437C, Y168C, Y435C, Y436C.
Identifiers: ClinVar variation 1351302 (VCV001351302.8), dbSNP rs766626435, ClinGen allele CA2180089.

ClinVar aggregate classification (germline): Uncertain significance (1 of 4 stars; one submission).

Allele frequency attached by ClinVar (database versions not stated): TOPMed below 0.00001; ExAC 0.00001; gnomAD exomes 0.00001.
gnomAD v4.1: 4 of 1,614,262 alleles (0.00025%); highest among the groups gnomAD compares: Admixed American, 0.0017%; no homozygotes.

Submission:

Labcorp Genetics (formerly Invitae), Labcorp
Classification: Uncertain significance. Last evaluated: 2021-06-28. Review status: criteria provided, single submitter. Criteria: Invitae Variant Classification Sherloc (09022015). Collection method: clinical testing. Allele origin: germline.
Comment: In summary, the available evidence is currently insufficient to determine the role of this variant in disease. Therefore, it has been classified as a Variant of Uncertain Significance. Algorithms developed to predict the effect of missense changes on protein structure and function are either unavailable or do not agree on the potential impact of this missense change (SIFT: "Not Available"; PolyPhen-2: "Probably Damaging"; Align-GVGD: "Not Available"). This variant has not been reported in the literature in individuals affected with UGT1A1-related conditions. This variant is present in population databases (rs766626435, ExAC 0.009%). This sequence change replaces tyrosine with cysteine at codon 436 of the UGT1A1 protein (p.Tyr436Cys). The tyrosine residue is highly conserved and there is a large physicochemical difference between tyrosine and cysteine.